The following is an entry in ClinVar:

ClinVar aggregate classification (germline): Benign/Likely benign. Review status: criteria provided, multiple submitters, no conflicts (2 of 4 stars). 3 submissions from 3 submitters: Benign (1); Likely benign (2). Last evaluated 2025-03-27.

Conditions:
Hereditary cancer-predisposing syndrome. Also called: Tumor predisposition; Neoplastic Syndromes, Hereditary; Hereditary Cancer Syndrome; Hereditary neoplastic syndrome. Identifiers: Orphanet 140162, MedGen C0027672, MeSH D009386, MONDO:0015356.
Peutz-Jeghers syndrome (PJS). Also called: POLYPOSIS, HAMARTOMATOUS INTESTINAL; POLYPS-AND-SPOTS SYNDROME; Peutz-Jeghers polyposis; Periorificial lentiginosis syndrome. Identifiers: Orphanet 2869, MedGen C0031269, MeSH D010580, MONDO:0008280, OMIM 175200.

Allele frequency attached by ClinVar (database versions not stated): gnomAD exomes below 0.00001.

Submissions (3):

Myriad Genetics, Inc.
Classification: Benign for Peutz-Jeghers syndrome. Last evaluated: 2025-03-27. Review status: criteria provided, single submitter. Criteria: Myriad Autosomal Dominant, Autosomal Recessive and X-Linked Classification Criteria (2023). Collection method: clinical testing. Allele origin: unknown.
Comment: This variant is considered benign. This variant is a silent/synonymous amino acid change and it is not expected to impact splicing.

Labcorp Genetics (formerly Invitae), Labcorp
Classification: Likely benign for Peutz-Jeghers syndrome. Last evaluated: 2024-06-28. Review status: criteria provided, single submitter. Criteria: Invitae Variant Classification Sherloc (09022015). Collection method: clinical testing. Allele origin: germline.

Color Diagnostics, LLC DBA Color Health
Classification: Likely benign for Hereditary cancer-predisposing syndrome. Last evaluated: 2016-10-07. Review status: criteria provided, single submitter. Criteria: ACMG Guidelines, 2015. Collection method: clinical testing. Allele origin: germline.

NM_000455.5(STK11):c.732C>T (p.Thr244=)

Gene: STK11 (serine/threonine kinase 11; plus strand). Cytogenetic location: 19p13.3.
Variant type: single nucleotide variant.
Coding change: c.732C>T on transcript NM_000455.5 (MANE Select); coding-DNA position 732, C replaced by T.
Protein change: p.Thr244=; no amino-acid change (threonine 244 retained).
Molecular consequence: synonymous variant.
Genome position (GRCh38, 1-based): chr19:1,220,715, C>T. VCF-style: chr19-1220715-C-T. GRCh37 (hg19) VCF-style: chr19-1220714-C-T.
Identifiers: ClinVar variation 492551 (VCV000492551.7), dbSNP rs1461624637, ClinGen allele CA504892299.